The following is an entry in ClinVar:

ClinVar aggregate classification (germline): Benign (1 of 4 stars; one submission).

Conditions:
Erythrocytosis, familial, 3 (ECYT3). Identifiers: Orphanet 247511, MedGen C1853286, MONDO:0012353, OMIM 609820.

Allele frequency attached by ClinVar (database versions not stated): gnomAD 0.00367 and 0.00396; 1000 Genomes Project 30x 0.00390; 1000 Genomes Project 0.00399; TOPMed 0.00400.

Submission:

Illumina Laboratory Services, Illumina
Classification: Benign for Erythrocytosis, familial, 3. Last evaluated: 2018-01-12. Review status: criteria provided, single submitter. Criteria: ICSL Variant Classification Criteria 13 December 2019. Collection method: clinical testing. Allele origin: germline.
Comment: This variant was observed in the ICSL laboratory as part of a predisposition screen in an ostensibly healthy population. It had not been previously curated by ICSL or reported in the Human Gene Mutation Database (HGMD: prior to June 1st, 2018), and was therefore a candidate for classification through an automated scoring system. Utilizing variant allele frequency, disease prevalence and penetrance estimates, and inheritance mode, an automated score was calculated to assess if this variant is too frequent to cause the disease. Based on the score and internal cut-off values, a variant classified as benign is not then subjected to further curation. The score for this variant resulted in a classification of benign for this disease.

NM_022051.3(EGLN1):c.*2096T>C

Gene: EGLN1 (egl-9 family hypoxia inducible factor 1; minus strand). Cytogenetic location: 1q42.2.
Variant type: single nucleotide variant.
Coding change: c.*2096T>C on transcript NM_022051.3 (MANE Select); 2096 bases downstream of the stop codon, T replaced by C.
Molecular consequence: 3 prime UTR variant.
Genome position (GRCh38, 1-based): chr1:231,364,315, A>G on the plus strand (T>C on the coding strand, the complement: EGLN1 is on the minus strand). VCF-style: chr1-231364315-A-G. GRCh37 (hg19) VCF-style: chr1-231500061-A-G.
Other names: c.*2157T>C (NM_001377260.1); c.*2202T>C (NM_001377261.1).
Identifiers: ClinVar variation 296146 (VCV000296146.5), dbSNP rs141735901, ClinGen allele CA10609442.
Genomic context (GRCh38, chr1:231,364,315, plus strand): 5'-ATTAAAAGGCTGTGGCTGTACATTTTGACAATCAAACAAACCTCCCATCAACATAAAACA[A>G]TTTCTACTAACCCTAAAAAAGATAATGCTTTTGAGTTGTGGCCTAACGCCGCGCACTGTA-3'